The following is an entry in ClinVar:

NM_002546.4(TNFRSF11B):c.841G>A (p.Val281Met)

Gene: TNFRSF11B (TNF receptor superfamily member 11b; minus strand). Cytogenetic location: 8q24.12.
Variant type: single nucleotide variant.
Coding change: c.841G>A on transcript NM_002546.4 (MANE Select); coding-DNA position 841, G replaced by A.
Protein change: p.Val281Met; replaces valine 281 with methionine.
Molecular consequence: missense variant.
Genome position (GRCh38, 1-based): chr8:118,924,739, C>T on the plus strand (G>A on the coding strand, the complement: TNFRSF11B is on the minus strand). VCF-style: chr8-118924739-C-T. GRCh37 (hg19) VCF-style: chr8-119936978-C-T.
Other names: short protein forms V281M.
Identifiers: ClinVar variation 721186 (VCV000721186.15), dbSNP rs140782326, ClinGen allele CA4854808.

ClinVar aggregate classification (germline): Benign/Likely benign. Review status: criteria provided, multiple submitters, no conflicts (2 of 4 stars). 4 submissions from 4 submitters: Benign (3); Likely benign (1). Last evaluated 2025-12-29.

Conditions:
Hyperphosphatasemia with bone disease (PDB5). Also called: HYPEROSTOSIS CORTICALIS DEFORMANS JUVENILIS; HYPERPHOSPHATASEMIA, CHRONIC CONGENITAL IDIOPATHIC; HYPERPHOSPHATASIA, FAMILIAL IDIOPATHIC; Paget disease of bone 5; PAGET DISEASE OF BONE 5, JUVENILE-ONSET; Osteoectasia familial. Identifiers: Orphanet 2801, MedGen C0268414, MONDO:0009394, OMIM 239000.

Allele frequency attached by ClinVar (database versions not stated): gnomAD 0.00076; TOPMed 0.00125; ESP Exome Variant Server 0.00138; ExAC 0.00456; 1000 Genomes Project 30x 0.00484; 1000 Genomes Project 0.00559.
gnomAD v4.1: 3,800 of 1,614,154 alleles (0.24%); highest among the groups gnomAD compares: South Asian, 1.9%; 62 homozygotes.

Submissions (4):

Labcorp Genetics (formerly Invitae), Labcorp
Classification: Benign. Last evaluated: 2025-12-29. Review status: criteria provided, single submitter. Criteria: Invitae Variant Classification Sherloc (09022015). Collection method: clinical testing. Allele origin: germline.

Genomic Medicine Center of Excellence, King Faisal Specialist Hospital and Research Centre
Classification: Likely benign. Last evaluated: 2025-08-18. Review status: criteria provided, single submitter. Criteria: ACMG Guidelines, 2015. Collection method: clinical testing. Allele origin: germline.

Illumina Laboratory Services, Illumina
Classification: Benign for Hyperphosphatasemia with bone disease. Last evaluated: 2018-01-12. Review status: criteria provided, single submitter. Criteria: ICSL Variant Classification Criteria 13 December 2019. Collection method: clinical testing. Allele origin: germline.
Comment: This variant was observed in the ICSL laboratory as part of a predisposition screen in an ostensibly healthy population. It had not been previously curated by ICSL or reported in the Human Gene Mutation Database (HGMD: prior to June 1st, 2018), and was therefore a candidate for classification through an automated scoring system. Utilizing variant allele frequency, disease prevalence and penetrance estimates, and inheritance mode, an automated score was calculated to assess if this variant is too frequent to cause the disease. Based on the score and internal cut-off values, a variant classified as benign is not then subjected to further curation. The score for this variant resulted in a classification of benign for this disease.

Breakthrough Genomics
Classification: Benign. Review status: criteria provided, single submitter. Criteria: ACMG Guidelines, 2015. Collection method: not provided. Allele origin: germline. Inheritance: Autosomal recessive inheritance. Affected: yes.